The following is an entry in ClinVar:

ClinVar aggregate classification (germline): Uncertain significance (1 of 4 stars; one submission).

Conditions:
Holoprosencephaly 2 (HPE2). Identifiers: Orphanet 2162, MedGen C1834877, MONDO:0007999, OMIM 157170.

Submission:

Labcorp Genetics (formerly Invitae), Labcorp
Classification: Uncertain significance for Holoprosencephaly 2. Last evaluated: 2024-10-29. Review status: criteria provided, single submitter. Criteria: Invitae Variant Classification Sherloc (09022015). Collection method: clinical testing. Allele origin: germline.
Comment: This sequence change replaces serine, which is neutral and polar, with phenylalanine, which is neutral and non-polar, at codon 22 of the SIX3 protein (p.Ser22Phe). This variant is not present in population databases (gnomAD no frequency). This variant has not been reported in the literature in individuals affected with SIX3-related conditions. Experimental studies and prediction algorithms are not available or were not evaluated, and the functional significance of this variant is currently unknown. In summary, the available evidence is currently insufficient to determine the role of this variant in disease. Therefore, it has been classified as a Variant of Uncertain Significance.

NM_005413.4(SIX3):c.65C>T (p.Ser22Phe)

Gene: SIX3 (SIX homeobox 3; plus strand). Cytogenetic location: 2p21.
Variant type: single nucleotide variant.
Coding change: c.65C>T on transcript NM_005413.4 (MANE Select); coding-DNA position 65, C replaced by T.
Protein change: p.Ser22Phe; replaces serine 22 with phenylalanine.
Molecular consequence: missense variant.
Genome position (GRCh38, 1-based): chr2:44,942,169, C>T. VCF-style: chr2-44942169-C-T. GRCh37 (hg19) VCF-style: chr2-45169308-C-T.
Other names: short protein forms S22F.
Identifiers: ClinVar variation 3708622 (VCV003708622.2).